The following is an entry in ClinVar:

NM_007259.5(VPS45):c.926C>T (p.Ala309Val)

Gene: VPS45 (vacuolar protein sorting 45 homolog; plus strand). Cytogenetic location: 1q21.2.
Variant type: single nucleotide variant.
Coding change: c.926C>T on transcript NM_007259.5 (MANE Select); coding-DNA position 926, C replaced by T.
Protein change: p.Ala309Val; replaces alanine 309 with valine.
Molecular consequence: missense variant. On other transcripts: non-coding transcript variant (1).
Genome position (GRCh38, 1-based): chr1:150,081,987, C>T. VCF-style: chr1-150081987-C-T. GRCh37 (hg19) VCF-style: chr1-150054069-C-T.
Other names: c.611C>T, p.Ala204Val (NM_001279353.2); c.818C>T, p.Ala273Val (NM_001279354.2); short protein forms A309V, A204V, A273V.
Identifiers: ClinVar variation 1362175 (VCV001362175.8), dbSNP rs782583704, ClinGen allele CA342251957.
Genomic context (GRCh38, chr1:150,081,987, plus strand): 5'-ATCTCATGGAAGATTTTCAGAAGAAGAAACCAAAAGAACAGCAAAAACTAGAATCAATAG[C>T]AGACATGAAGGTAAATTGAACATGTACATGAATGACAAACATGTGACAGTTTGGTACTAT-3'
Protein context (NP_009190.2, residues 299-319): PKEQQKLESI[Ala309Val]DMKAFVENYP

ClinVar aggregate classification (germline): Uncertain significance (1 of 4 stars; one submission).

Conditions:
Congenital neutropenia-myelofibrosis-nephromegaly syndrome. Also called: Severe congenital neutropenia 5, autosomal recessive. Identifiers: Orphanet 369852, MedGen C3809031, MONDO:0014118, OMIM 615285.

gnomAD v4.1: 1 of 1,603,124 alleles (0.000062%); highest among the groups gnomAD compares: Admixed American, 0.0017%; no homozygotes.

Submission:

Labcorp Genetics (formerly Invitae), Labcorp
Classification: Uncertain significance for Congenital neutropenia-myelofibrosis-nephromegaly syndrome. Last evaluated: 2022-12-06. Review status: criteria provided, single submitter. Criteria: Invitae Variant Classification Sherloc (09022015). Collection method: clinical testing. Allele origin: germline.
Comment: This sequence change replaces alanine, which is neutral and non-polar, with valine, which is neutral and non-polar, at codon 309 of the VPS45 protein (p.Ala309Val). The frequency data for this variant in the population databases is considered unreliable, as metrics indicate poor data quality at this position in the gnomAD database. This variant has not been reported in the literature in individuals affected with VPS45-related conditions. ClinVar contains an entry for this variant (Variation ID: 1362175). Advanced modeling of protein sequence and biophysical properties (such as structural, functional, and spatial information, amino acid conservation, physicochemical variation, residue mobility, and thermodynamic stability) performed at Invitae indicates that this missense variant is not expected to disrupt VPS45 protein function. In summary, the available evidence is currently insufficient to determine the role of this variant in disease. Therefore, it has been classified as a Variant of Uncertain Significance.